The following is an entry in ClinVar:

ClinVar aggregate classification (germline): Uncertain significance. Review status: criteria provided, multiple submitters, no conflicts (2 of 4 stars). 2 submissions from 2 submitters: Uncertain significance (2). Last evaluated 2025-08-15.

Conditions:
Myofibrillar myopathy 4. Also called: Zaspopathy (type). Identifiers: Orphanet 98912, MedGen C4721886, MONDO:0012277, OMIM 609452.

Allele frequency attached by ClinVar (database versions not stated): TOPMed below 0.00001; gnomAD 0.00001; gnomAD exomes 0.00001.
gnomAD v4.1: 4 of 1,614,104 alleles (0.00025%); highest among the groups gnomAD compares: Non-Finnish European, 0.00034%; no homozygotes.

Submissions (2):

Labcorp Genetics (formerly Invitae), Labcorp
Classification: Uncertain significance for Myofibrillar myopathy 4. Last evaluated: 2025-08-15. Review status: criteria provided, single submitter. Criteria: Invitae Variant Classification Sherloc (09022015). Collection method: clinical testing. Allele origin: germline.
Comment: This sequence change replaces glutamine, which is neutral and polar, with lysine, which is basic and polar, at codon 173 of the LDB3 protein (p.Gln173Lys). This variant is not present in population databases (gnomAD no frequency). This missense change has been observed in individual(s) with unexplained cardiac arrest (PMID: 35352813). ClinVar contains an entry for this variant (Variation ID: 641190). An algorithm developed to predict the effect of missense changes on protein structure and function (PolyPhen-2) suggests that this variant is likely to be tolerated. In summary, the available evidence is currently insufficient to determine the role of this variant in disease. Therefore, it has been classified as a Variant of Uncertain Significance.

Blueprint Genetics
Classification: Uncertain significance. Last evaluated: 2023-11-28. Review status: criteria provided, single submitter. Criteria: ACMG Guidelines, 2015. Collection method: clinical testing. Allele origin: germline.

Literature cited by the submitters: PubMed 35352813 (cited by Labcorp Genetics (formerly Invitae), Labcorp).

NM_001368067.1(LDB3):c.517C>A (p.Gln173Lys)

Genes: LDB3 (LIM domain binding 3; plus strand), LOC110121486 (VISTA enhancer hs2143; plus strand). Cytogenetic location: 10q23.2.
Variant type: single nucleotide variant.
Coding change: c.517C>A on transcript NM_001368067.1 (MANE Plus Clinical); coding-DNA position 517, C replaced by A.
Protein change: p.Gln173Lys; replaces glutamine 173 with lysine.
Molecular consequence: missense variant. On other transcripts: intron variant (5).
Genome position (GRCh38, 1-based): chr10:86,687,241, C>A. VCF-style: chr10-86687241-C-A. GRCh37 (hg19) VCF-style: chr10-88446998-C-A.
Other names: c.517C>A, p.Gln173Lys (NM_001080114.2, NM_001080116.1, NM_001368066.1 and 1 more transcripts); c.862C>A, p.Gln288Lys (NM_001171610.2, NM_001171611.2); c.690-4655C>A (NM_001368064.1, NM_001368063.1, NM_007078.3 and 2 more transcripts); short protein forms Q288K, Q173K.
Identifiers: ClinVar variation 641190 (VCV000641190.12), dbSNP rs1220958570, ClinGen allele CA377441902.